The following is an entry in ClinVar:

NM_001089.3(ABCA3):c.875A>T (p.Glu292Val)

Gene: ABCA3 (ATP binding cassette subfamily A member 3; minus strand). Cytogenetic location: 16p13.3.
Variant type: single nucleotide variant.
Coding change: c.875A>T on transcript NM_001089.3 (MANE Select); coding-DNA position 875, A replaced by T.
Protein change: p.Glu292Val; replaces glutamic acid 292 with valine.
Molecular consequence: missense variant.
Genome position (GRCh38, 1-based): chr16:2,317,763, T>A on the plus strand (A>T on the coding strand, the complement: ABCA3 is on the minus strand). VCF-style: chr16-2317763-T-A. GRCh37 (hg19) VCF-style: chr16-2367764-T-A.
Other names: rs149989682; short protein forms E292V.
Identifiers: ClinVar variation 203381 (VCV000203381.78), dbSNP rs149989682, ClinGen allele CA203885.

ClinVar aggregate classification (germline): Pathogenic/Likely pathogenic. Review status: criteria provided, multiple submitters, no conflicts (2 of 4 stars). 28 submissions from 28 submitters: Pathogenic (15); Likely pathogenic (10). 3 of the submissions do not count toward it. Last evaluated 2026-09-29.

Conditions:
Primary interstitial lung disease specific to childhood due to pulmonary surfactant protein anomalies. Identifiers: Orphanet 100049, MedGen C5680383, MONDO:0015052.
Diffuse interstitial pulmonary fibrosis. Identifiers: MedGen C4721507.
ABCA3-related disorder. Also called: ABCA3-related condition.
Hereditary pulmonary alveolar proteinosis. Also called: Pulmonary surfactant metabolism dysfunction. Identifiers: Orphanet 264675, MedGen C3711368, MONDO:0012580.
Interstitial lung disease 2 (ILD2). Also called: FIBROCYSTIC PULMONARY DYSPLASIA; FIBROSING ALVEOLITIS, CRYPTOGENIC; Familial idiopathic pulmonary fibrosis. Identifiers: Orphanet 2032, Orphanet 79126, MedGen C5561926, MONDO:0800497, OMIM 178500, MONDO:0800029.
Interstitial lung disease due to ABCA3 deficiency. Also called: PULMONARY ALVEOLAR PROTEINOSIS, CONGENITAL, 3. Identifiers: Orphanet 440402, MedGen C1970456, MONDO:0012582, OMIM 610921.

Allele frequency attached by ClinVar (database versions not stated): 1000 Genomes Project 30x 0.00078; 1000 Genomes Project 0.00080; ExAC 0.00224; gnomAD exomes 0.00229; gnomAD 0.00293 and 0.00304; TOPMed 0.00309; ESP Exome Variant Server 0.00331.
gnomAD v4.1: 7,316 of 1,613,934 alleles (0.45%); highest among the groups gnomAD compares: Non-Finnish European, 0.58%; 20 homozygotes.

Submissions 1 to 6 of 33:

GeneDx
Classification: Likely pathogenic. Last evaluated: 2026-09-29. Review status: criteria provided, single submitter. Criteria: GeneDx Variant Classification Process June 2021. Collection method: clinical testing. Allele origin: germline.
Comment: Variant found to be over-represented in newborns with respiratory distress syndrome suggesting that E292V or its haplotype impart increased genetic risk for respiratory distress (PMID: 18317237, 23166334, 42295024); Published functional studies demonstrate that the variant contributes to loss of epithelial cell differentiation (PMID: 22434821); In silico analysis supports that this missense variant has a deleterious effect on protein structure/function; This variant is associated with the following publications: (PMID: 29431110, 17597647, 18676873, 18603241, 24136335, 22866751, 30609409, 28034695, 27374344, 29505158, 22800827, 22145626, 18246475, 29569581, 29255193, 22304854, 29566461, 31980526, 31589614, 34426522, 34132118, 33526094, 32692933, 32196812, 33359301, 33708521, 23625987, 34662886, 30755392, 18317237, 15976379, 37657992, 27516224, 25073622, 23166334, 32238781, 37175887, 35170262, 35342051, 24915907, 36808083, 28887056, 24871971, 25553246, 39477456, 42295024, 22434821)

Ambry Genetics
Classification: Pathogenic for Hereditary pulmonary alveolar proteinosis. Last evaluated: 2026-07-30. Review status: criteria provided, single submitter. Criteria: Ambry Variant Classification Scheme 2023. Collection method: clinical testing. Allele origin: germline.
Comment: The c.875A>T (p.E292V) alteration is located in exon 9 (coding exon 6) of the ABCA3 gene. This alteration results from a A to T substitution at nucleotide position 875, causing the glutamic acid (E) at amino acid position 292 to be replaced by a valine (V). Based on data from gnomAD, the T allele has an overall frequency of 0.234% (660/282370) total alleles studied. The highest observed frequency was 0.432% (556/128782) of European (non-Finnish) alleles. This is the most common ABCA3 mutation reported to date in pediatric interstitial lung disease and has a carrier rate of 1 in 275 individuals in the United States. In a study with 12 confirmed ABCA3 cases, this mutation was found in the compound heterozygous state in three individuals and in the homozygous state in one individual. Since the four affected individuals were all alive, p.E292V was speculated to be a mild mutation (Turcu, 2013). In another study with 185 individuals identified with ABCA3 mutations, this mutation was detected in 16 individuals. One homozygous infant presented with neonatal respiratory failure and died shortly after birth, while the remaining 15 compound heterozygous individuals had variable outcomes (Wambach, 2014). This amino acid position is highly conserved in available vertebrate species. This alteration is predicted to be deleterious by in silico analysis. Based on the available evidence, this alteration is classified as pathogenic.

PreventionGenetics, part of Exact Sciences
Classification: Pathogenic for ABCA3-related condition. Last evaluated: 2026-05-26. Review status: criteria provided, single submitter. Criteria: ACMG Guidelines, 2015. Collection method: clinical testing. Allele origin: germline.
Comment: The ABCA3 c.875A>T variant is predicted to result in the amino acid substitution p.Glu292Val. This variant has been reported in the compound heterozygous and homozygous states in many individuals with interstitial lung disease (see for example, Bullard et al. 2005. PubMed ID: 15976379; Turcu et al. 2013. PubMed ID: 23625987; Wambach et al. 2014. PubMed ID: 24871971; Klay et al. 2020. PubMed ID: 32238781). Additionally, multiple in vitro and in vivo studies have found that this variant negatively impacts protein function (Matsumura et al. 2008. PubMed ID: 18676873; Kaltenborn et al. 2012. PubMed ID: 22434821; Beers et al. 2016. PubMed ID: 28034695; Schindlbeck et al. 2018. PubMed ID: 29505158; Tomer et al. 2021. PubMed ID: 34132118). This variant is reported in 0.43% of alleles in individuals of European (non-Finnish) descent in gnomAD, and population studies in the literature have found that this is the most common ABCA3 variant in children with interstitial lung disease (Garmany et al. 2008. PubMed: 18317237). Taken together, this variant is interpreted as pathogenic.

Dasa
Classification: Pathogenic. Last evaluated: 2026-02-18. Review status: criteria provided, single submitter. Criteria: DASA Assertion Criteria. Collection method: clinical testing. Allele origin: germline.
Comment: NM_001089.3(ABCA3):c.875A>T (p.Glu292Val) is a missense variant that results in the substitution of glutamic acid with valine. Functional evidence supports a deleterious effect on the gene or gene product (PMID: 15976379; PMID: 18317237; PMID: 23166334; PMID: 23625987; PMID: 24871971). This variant has been recurrently observed in individuals with related phenotype (PMID: 15976379; PMID: 18317237; PMID: 23166334; PMID: 23625987; PMID: 24871971). Segregation evidence has been reported in affected families. Multiple computational predictions support a deleterious effect on the gene or gene product. The variant is present at low frequency in population datasets. Based on the available data, this variant is classified as pathogenic.

OLLIN Analises Genomicas, OLLIN
Classification: Pathogenic for Interstitial lung disease due to ABCA3 deficiency. Last evaluated: 2026-02-13. Review status: criteria provided, single submitter. Criteria: ACMG Guidelines 2015 PMID 25741868. Collection method: clinical testing. Allele origin: germline. Observed: 2 variant alleles.
Comment: PS3, PM2_P, PM5, PP2, PP3_S, PP5

Labcorp Genetics (formerly Invitae), Labcorp
Classification: Pathogenic. Last evaluated: 2026-01-31. Review status: criteria provided, single submitter. Criteria: Invitae Variant Classification Sherloc (09022015). Collection method: clinical testing. Allele origin: germline.
Comment: This sequence change replaces glutamic acid, which is acidic and polar, with valine, which is neutral and non-polar, at codon 292 of the ABCA3 protein (p.Glu292Val). This variant is present in population databases (rs149989682, gnomAD 0.4%), including at least one homozygous and/or hemizygous individual. This missense change has been observed in individual(s) with clinical features of autosomal recessive surfactant deficiency and/or pulmonary surfactant metabolism dysfunction. This variant is frequently observed among individuals with ABCA3 deficiency (PMID: 15976379, 18317237, 23166334, 23625987, 24871971, 29566461, 33110422, 34715861, 35170262, 35626240; internal data). In at least one individual the data is consistent with being in trans (on the opposite chromosome) from a pathogenic variant. It has also been observed to segregate with disease in related individuals. ClinVar contains an entry for this variant (Variation ID: 203381). An algorithm developed to predict the effect of missense changes on protein structure and function (PolyPhen-2) suggests that this variant is likely to be disruptive. Experimental studies have shown that this missense change affects ABCA3 function (PMID: 18676873, 22434821, 27374344, 28034695). For these reasons, this variant has been classified as Pathogenic.